The following is an entry in ClinVar:

ClinVar aggregate classification (germline): Uncertain significance (1 of 4 stars; one submission).

Conditions:
Hereditary cancer-predisposing syndrome. Also called: Tumor predisposition; Hereditary neoplastic syndrome; Neoplastic Syndromes, Hereditary; Hereditary Cancer Syndrome. Identifiers: Orphanet 140162, MedGen C0027672, MeSH D009386, MONDO:0015356.

Submission:

Ambry Genetics
Classification: Uncertain significance for Hereditary cancer-predisposing syndrome. Last evaluated: 2019-08-22. Review status: criteria provided, single submitter. Criteria: Ambry Variant Classification Scheme 2023. Collection method: clinical testing. Allele origin: germline.
Comment: The p.E379K variant (also known as c.1135G>A), located in coding exon 7 of the BRIP1 gene, results from a G to A substitution at nucleotide position 1135. The glutamic acid at codon 379 is replaced by lysine, an amino acid with similar properties. This amino acid position is highly conserved in available vertebrate species. In addition, the in silico prediction for this alteration is inconclusive. Since supporting evidence is limited at this time, the clinical significance of this alteration remains unclear.

NM_032043.3(BRIP1):c.1135G>A (p.Glu379Lys)

Gene: BRIP1 (BRCA1 interacting DNA helicase 1; minus strand). Cytogenetic location: 17q23.2.
Variant type: single nucleotide variant.
Coding change: c.1135G>A on transcript NM_032043.3 (MANE Select); coding-DNA position 1135, G replaced by A.
Protein change: p.Glu379Lys; replaces glutamic acid 379 with lysine.
Molecular consequence: missense variant.
Genome position (GRCh38, 1-based): chr17:61,801,258, C>T on the plus strand (G>A on the coding strand, the complement: BRIP1 is on the minus strand). VCF-style: chr17-61801258-C-T. GRCh37 (hg19) VCF-style: chr17-59878619-C-T.
Other names: short protein forms E379K.
Identifiers: ClinVar variation 818411 (VCV000818411.4), dbSNP rs1603343094, ClinGen allele CA400483862.